The following is an entry in ClinVar:

ClinVar aggregate classification (germline): Likely benign. Review status: criteria provided, multiple submitters, no conflicts (2 of 4 stars). 3 submissions from 3 submitters: Likely benign (3). Last evaluated 2025-12-26.

Conditions:
Cardiovascular phenotype. Identifiers: MedGen CN230736.
Long QT syndrome 1 (LQT1). Identifiers: Orphanet 101016, Orphanet 768, MedGen C4551647, MONDO:0100316, OMIM 192500, MONDO:0008646.

Allele frequency attached by ClinVar (database versions not stated): gnomAD 0.00001 and 0.00003; TOPMed 0.00002; gnomAD exomes 0.00003 and 0.00005; ExAC 0.00004; ESP Exome Variant Server 0.00008; 1000 Genomes Project 30x 0.00016; 1000 Genomes Project 0.00020.
gnomAD v4.1: 42 of 1,600,236 alleles (0.0026%); highest among the groups gnomAD compares: South Asian, 0.02%; no homozygotes.

Submissions (3):

Labcorp Genetics (formerly Invitae), Labcorp
Classification: Likely benign for Long QT syndrome 1. Last evaluated: 2025-12-26. Review status: criteria provided, single submitter. Criteria: Invitae Variant Classification Sherloc (09022015). Collection method: clinical testing. Allele origin: germline.

Ambry Genetics
Classification: Likely benign for Cardiovascular phenotype. Last evaluated: 2019-10-20. Review status: criteria provided, single submitter. Criteria: Ambry Variant Classification Scheme 2023. Collection method: clinical testing. Allele origin: germline.

GeneDx
Classification: Likely benign. Last evaluated: 2017-12-05. Review status: criteria provided, single submitter. Criteria: GeneDx Variant Classification (06012015). Collection method: clinical testing. Allele origin: germline. Affected: yes.
Comment: This variant is considered likely benign or benign based on one or more of the following criteria: it is a conservative change, it occurs at a poorly conserved position in the protein, it is predicted to be benign by multiple in silico algorithms, and/or has population frequency not consistent with disease.

NM_005184.4(CALM3):c.324C>T (p.His108=)

Gene: CALM3 (calmodulin 3; plus strand). Cytogenetic location: 19q13.32.
Variant type: single nucleotide variant.
Coding change: c.324C>T on transcript NM_005184.4 (MANE Select); coding-DNA position 324, C replaced by T.
Protein change: p.His108=; no amino-acid change (histidine 108 retained).
Molecular consequence: synonymous variant.
Genome position (GRCh38, 1-based): chr19:46,608,884, C>T. VCF-style: chr19-46608884-C-T. GRCh37 (hg19) VCF-style: chr19-47112141-C-T.
Other names: c.216C>T, p.His72= (NM_001329921.1, NM_001329923.1, NM_001329924.2 and 2 more transcripts); c.324C>T, p.His108= (NM_001329922.1).
Identifiers: ClinVar variation 415845 (VCV000415845.15), dbSNP rs45587137, ClinGen allele CA9529822.